The following is an entry in ClinVar:

NM_020975.6(RET):c.626-12C>T

Gene: RET (ret proto-oncogene; plus strand). Cytogenetic location: 10q11.21.
Variant type: single nucleotide variant.
Coding change: c.626-12C>T on transcript NM_020975.6 (MANE Select); 12 bases into the intron before coding-DNA position 626, C replaced by T.
Molecular consequence: intron variant. On other transcripts: 5 prime UTR variant (1).
Genome position (GRCh38, 1-based): chr10:43,104,940, C>T. VCF-style: chr10-43104940-C-T. GRCh37 (hg19) VCF-style: chr10-43600388-C-T.
Other names: c.-149C>T (NM_001355216.2); c.626-12C>T (NM_020630.7, NM_001406743.1, NM_001406744.1 and 6 more transcripts); c.625+2311C>T (NM_001406773.1, NM_001406771.1, NM_001406782.1 and 5 more transcripts); c.497-12C>T (NM_001406764.1, NM_001406762.1, NM_001406761.1 and 2 more transcripts); c.496+2311C>T (NM_001406786.1, NM_001406783.1); c.338-12C>T (NM_001406770.1, NM_001406766.1, NM_001406767.1); c.338-4091C>T (NM_001406778.1, NM_001406775.1, NM_001406776.1 and 1 more transcripts); c.337+4218C>T (NM_001406790.1, NM_001406788.1, NM_001406789.1 and 1 more transcripts); and 2 more.
Identifiers: ClinVar variation 3073559 (VCV003073559.1), dbSNP rs1456639034, ClinGen allele CA592893359.

ClinVar aggregate classification (germline): Likely benign (1 of 4 stars; one submission).

Conditions:
Multiple endocrine neoplasia, type 2 (MEN2). Identifiers: Orphanet 653, MedGen C4048306, MONDO:0019003. Disease mechanism: gain of function.

Allele frequency attached by ClinVar (database versions not stated): gnomAD exomes below 0.00001.
gnomAD v4.1: 1 of 1,555,784 alleles (0.000064%); highest among the groups gnomAD compares: Admixed American, 0.0019%; no homozygotes.

Submission:

All of Us Research Program, National Institutes of Health
Classification: Likely benign for Multiple endocrine neoplasia, type 2. Last evaluated: 2023-10-02. Review status: criteria provided, single submitter. Criteria: ACMG Guidelines, 2015. Collection method: clinical testing. Allele origin: germline. Inheritance: Autosomal dominant inheritance. Observed: 1 variant allele, 1 heterozygote.
Comment: This study involves interpretation of variants in research participants for the purpose of population health screening. Participant phenotype was not available at the time of variant classification. Additional details can be found in publication PMID: 35346344, PMCID: PMC8962531